The following is an entry in ClinVar:

NM_006922.4(SCN3A):c.3908T>G (p.Leu1303Ter)

Gene: SCN3A (sodium voltage-gated channel alpha subunit 3; minus strand). Cytogenetic location: 2q24.3.
Variant type: single nucleotide variant.
Coding change: c.3908T>G on transcript NM_006922.4 (MANE Select); coding-DNA position 3908, T replaced by G.
Protein change: p.Leu1303Ter; replaces leucine 1303 with a stop codon.
Molecular consequence: nonsense.
Genome position (GRCh38, 1-based): chr2:165,100,360, A>C on the plus strand (T>G on the coding strand, the complement: SCN3A is on the minus strand). VCF-style: chr2-165100360-A-C. GRCh37 (hg19) VCF-style: chr2-165956870-A-C.
Other names: c.3761T>G, p.Leu1254Ter (NM_001081676.2, NM_001081677.2); short protein forms L1254*, L1303*.
Identifiers: ClinVar variation 1993388 (VCV001993388.4), dbSNP rs2468087638, ClinGen allele CA349028135.
Genomic context (GRCh38, chr2:165,100,360, plus strand): 5'-ACCCTCATGCCTTCAAACCGGGATAAGGCTCTTAGAGGTCTTAAAGCTCTTAATGTCCGT[A>C]ATGATTTGATGGCACCGAGTTCTGAGTAGCCAAGAGCATTGGCTACCAGGCTAACCAAAG-3'

ClinVar aggregate classification (germline): Uncertain significance (1 of 4 stars; one submission).

Submission:

Labcorp Genetics (formerly Invitae), Labcorp
Classification: Uncertain significance. Last evaluated: 2023-08-07. Review status: criteria provided, single submitter. Criteria: Invitae Variant Classification Sherloc (09022015). Collection method: clinical testing. Allele origin: germline.
Comment: This variant is not present in population databases (gnomAD no frequency). This sequence change creates a premature translational stop signal (p.Leu1303*) in the SCN3A gene. It is expected to result in an absent or disrupted protein product. However, the current clinical and genetic evidence is not sufficient to establish whether loss-of-function variants in SCN3A cause disease. This variant has not been reported in the literature in individuals affected with SCN3A-related conditions. ClinVar contains an entry for this variant (Variation ID: 1993388). In summary, the available evidence is currently insufficient to determine the role of this variant in disease. Therefore, it has been classified as a Variant of Uncertain Significance.